The following is an entry in ClinVar:

NM_013382.7(POMT2):c.1181C>T (p.Ser394Leu)

Gene: POMT2 (protein O-mannosyltransferase 2; minus strand). Cytogenetic location: 14q24.3.
Variant type: single nucleotide variant.
Coding change: c.1181C>T on transcript NM_013382.7 (MANE Select); coding-DNA position 1181, C replaced by T.
Protein change: p.Ser394Leu; replaces serine 394 with leucine.
Molecular consequence: missense variant.
Genome position (GRCh38, 1-based): chr14:77,291,316, G>A on the plus strand (C>T on the coding strand, the complement: POMT2 is on the minus strand). VCF-style: chr14-77291316-G-A. GRCh37 (hg19) VCF-style: chr14-77757659-G-A.
Other names: short protein forms S394L.
Identifiers: ClinVar variation 5002192 (VCV005002192.1).
Genomic context (GRCh38, chr14:77,291,316, plus strand): 5'-TTAAGGAGGGCTCAGAGGGAGTAACAGCACAAGAAGCATCAGTCTCTGACCACATTACCT[G>A]AGTTTGTGTTATGTTTCTTGATAATCCACAGGTTGTTGTAGTCCTTGTGCAAATAGGTGG-3'
Protein context (NP_037514.2, residues 384-404): LWIIKKHNTN[Ser394Leu]DPLDPSFPVE

ClinVar aggregate classification (germline): Uncertain significance (1 of 4 stars; one submission).

Conditions:
POMT2-related disorder. Also called: POMT2-related condition.

gnomAD v4.1: 3 of 1,607,446 alleles (0.00019%); highest among the groups gnomAD compares: Non-Finnish European, 0.00025%; no homozygotes.

Submission:

PreventionGenetics, part of Exact Sciences
Classification: Uncertain significance for POMT2-related condition. Last evaluated: 2025-06-25. Review status: criteria provided, single submitter. Criteria: ACMG Guidelines, 2015. Collection method: clinical testing. Allele origin: germline.
Comment: The POMT2 c.1181C>T variant is predicted to result in the amino acid substitution p.Ser394Leu. To our knowledge, this variant has not been reported in the literature or in a large population database (gnomAD), indicating this variant is rare. At this time, the clinical significance of this variant is uncertain due to the absence of conclusive functional and genetic evidence.